The following is an entry in ClinVar:

ClinVar aggregate classification (germline): Pathogenic (1 of 4 stars; one submission).

Conditions:
Junctional epidermolysis bullosa. Identifiers: Orphanet 305, MedGen C0079301, MONDO:0017612.

Submission:

Myriad Genetics, Inc.
Classification: Pathogenic for Junctional epidermolysis bullosa. Last evaluated: 2026-05-14. Review status: criteria provided, single submitter. Criteria: Myriad Autosomal Dominant, Autosomal Recessive and X-Linked Classification Criteria (2023). Collection method: clinical testing. Allele origin: unknown.
Comment: NM_000227.3(LAMA3):c.760delA(M254Wfs*8) is a frameshift variant classified as pathogenic in the context of junctional epidermolysis bullosa, LAMA3-related. M254Wfs*8 has not been observed in cases with relevant disease. Relevant functional assessments of this variant are not available in the literature. M254Wfs*8 has not been observed in referenced population frequency databases. In summary, NM_000227.3(LAMA3):c.760delA(M254Wfs*8) is a frameshift variant in a gene where loss of function is a known mechanism of disease and is predicted to disrupt protein function. Please note: this variant was assessed in the context of healthy population screening.

NM_198129.4(LAMA3):c.5587del (p.Met1863fs)

Gene: LAMA3 (laminin subunit alpha 3; plus strand). Cytogenetic location: 18q11.2.
Variant type: Deletion.
Coding change: c.5587del on transcript NM_198129.4 (MANE Select); coding-DNA position 5587, one base deleted (A; older notation c.5587delA).
Protein change: p.Met1863fs; shifts the reading frame from methionine 1863.
Molecular consequence: frameshift variant.
Genome position (GRCh38, 1-based): chr18:23,895,032, A deleted. VCF-style (leftmost placement, unchanged base first): chr18-23895031-CA-C. GRCh37 (hg19) VCF-style: chr18-21474995-CA-C.
Other names: c.760del, p.Met254fs (NM_000227.6, NM_001127718.4); c.5587del, p.Met1863fs (NM_001127717.4); short protein forms M1863fs, M254fs.
Identifiers: ClinVar variation 5004674 (VCV005004674.1).